The following is an entry in ClinVar:

ClinVar aggregate classification (germline): Uncertain significance. Review status: criteria provided, multiple submitters, no conflicts (2 of 4 stars). 2 submissions from 2 submitters: Uncertain significance (2). Last evaluated 2024-08-30.

Allele frequency attached by ClinVar (database versions not stated): TOPMed 0.00002; gnomAD 0.00004; gnomAD exomes 0.00005; ExAC 0.00008; 1000 Genomes Project 0.00020; 1000 Genomes Project 30x 0.00031.
gnomAD v4.1: 84 of 1,613,420 alleles (0.0052%); highest among the groups gnomAD compares: South Asian, 0.044%; 1 homozygote.

Submissions (2):

Blueprint Genetics
Classification: Uncertain significance. Last evaluated: 2024-08-30. Review status: criteria provided, single submitter. Criteria: ACMG Guidelines, 2015. Collection method: clinical testing. Allele origin: germline.

Labcorp Genetics (formerly Invitae), Labcorp
Classification: Uncertain significance. Last evaluated: 2023-11-27. Review status: criteria provided, single submitter. Criteria: Invitae Variant Classification Sherloc (09022015). Collection method: clinical testing. Allele origin: germline.
Comment: This sequence change replaces threonine, which is neutral and polar, with methionine, which is neutral and non-polar, at codon 297 of the RCBTB1 protein (p.Thr297Met). This variant is present in population databases (rs542193072, gnomAD 0.04%). This variant has not been reported in the literature in individuals affected with RCBTB1-related conditions. ClinVar contains an entry for this variant (Variation ID: 963337). Advanced modeling of protein sequence and biophysical properties (such as structural, functional, and spatial information, amino acid conservation, physicochemical variation, residue mobility, and thermodynamic stability) performed at Invitae indicates that this missense variant is not expected to disrupt RCBTB1 protein function with a negative predictive value of 80%. In summary, the available evidence is currently insufficient to determine the role of this variant in disease. Therefore, it has been classified as a Variant of Uncertain Significance.

NM_018191.4(RCBTB1):c.890C>T (p.Thr297Met)

Gene: RCBTB1 (RCC1 and BTB domain containing protein 1; minus strand). Cytogenetic location: 13q14.2.
Variant type: single nucleotide variant.
Coding change: c.890C>T on transcript NM_018191.4 (MANE Select); coding-DNA position 890, C replaced by T.
Protein change: p.Thr297Met; replaces threonine 297 with methionine.
Molecular consequence: missense variant. On other transcripts: non-coding transcript variant (2).
Genome position (GRCh38, 1-based): chr13:49,549,613, G>A on the plus strand (C>T on the coding strand, the complement: RCBTB1 is on the minus strand). VCF-style: chr13-49549613-G-A. GRCh37 (hg19) VCF-style: chr13-50123749-G-A.
Other names: c.890C>T, p.Thr297Met (NM_001352500.2, NM_001352501.2, NM_001352502.2 and 3 more transcripts); c.311C>T, p.Thr104Met (NM_001352506.2); short protein forms T297M, T104M.
Identifiers: ClinVar variation 963337 (VCV000963337.7), dbSNP rs542193072, ClinGen allele CA6982743.